The following is an entry in ClinVar:

NM_001440.4(EXTL3):c.1781C>G (p.Thr594Ser)

Gene: EXTL3 (exostosin like glycosyltransferase 3; plus strand). Cytogenetic location: 8p21.1.
Variant type: single nucleotide variant.
Coding change: c.1781C>G on transcript NM_001440.4 (MANE Select); coding-DNA position 1781, C replaced by G.
Protein change: p.Thr594Ser; replaces threonine 594 with serine.
Molecular consequence: missense variant.
Genome position (GRCh38, 1-based): chr8:28,717,840, C>G. VCF-style: chr8-28717840-C-G. GRCh37 (hg19) VCF-style: chr8-28575357-C-G.
Other names: short protein forms T594S.
Identifiers: ClinVar variation 2779843 (VCV002779843.3), dbSNP rs754610555, ClinGen allele CA4696289.
Genomic context (GRCh38, chr8:28,717,840, plus strand): 5'-ACCTGGGGCCAGTGGAGACGGAGCCGCCCTACGCCTCACCCAGATACCTCCGCAATTTCA[C>G]TCTGACTGTCACTGACTTTTACCGCAGCTGGAACTGTGCTCCAGGGCCTTTCCATCTTTT-3'
Protein context (NP_001431.1, residues 584-604): YASPRYLRNF[Thr594Ser]LTVTDFYRSW

ClinVar aggregate classification (germline): Uncertain significance (1 of 4 stars; one submission).

Allele frequency attached by ClinVar (database versions not stated): gnomAD exomes below 0.00001; ExAC 0.00001.
gnomAD v4.1: 2 of 1,612,134 alleles (0.00012%); highest among the groups gnomAD compares: Non-Finnish European, 0.000085%; no homozygotes.

Submission:

Labcorp Genetics (formerly Invitae), Labcorp
Classification: Uncertain significance. Last evaluated: 2023-09-30. Review status: criteria provided, single submitter. Criteria: Invitae Variant Classification Sherloc (09022015). Collection method: clinical testing. Allele origin: germline.
Comment: This sequence change replaces threonine, which is neutral and polar, with serine, which is neutral and polar, at codon 594 of the EXTL3 protein (p.Thr594Ser). This variant is present in population databases (rs754610555, gnomAD 0.0009%). This variant has not been reported in the literature in individuals affected with EXTL3-related conditions. Advanced modeling of protein sequence and biophysical properties (such as structural, functional, and spatial information, amino acid conservation, physicochemical variation, residue mobility, and thermodynamic stability) performed at Invitae indicates that this missense variant is not expected to disrupt EXTL3 protein function. In summary, the available evidence is currently insufficient to determine the role of this variant in disease. Therefore, it has been classified as a Variant of Uncertain Significance.